The following is an entry in ClinVar:

NM_001098816.3(TENM4):c.1861G>A (p.Ala621Thr)

Gene: TENM4 (teneurin transmembrane protein 4; minus strand). Cytogenetic location: 11q14.1.
Variant type: single nucleotide variant.
Coding change: c.1861G>A on transcript NM_001098816.3 (MANE Select); coding-DNA position 1861, G replaced by A.
Protein change: p.Ala621Thr; replaces alanine 621 with threonine.
Molecular consequence: missense variant.
Genome position (GRCh38, 1-based): chr11:78,812,239, C>T on the plus strand (G>A on the coding strand, the complement: TENM4 is on the minus strand). VCF-style: chr11-78812239-C-T. GRCh37 (hg19) VCF-style: chr11-78523284-C-T.
Other names: short protein forms A621T.
Identifiers: ClinVar variation 2372488 (VCV002372488.9), dbSNP rs76738817, ClinGen allele CA6207493.

ClinVar aggregate classification (germline): Conflicting classifications of pathogenicity. Review status: criteria provided, conflicting classifications (1 of 4 stars). 2 submissions from 2 submitters: Uncertain significance (1); Likely benign (1). Last evaluated 2025-11-01.

Allele frequency attached by ClinVar (database versions not stated): gnomAD 0.00009; ExAC 0.00014; TOPMed 0.00015; 1000 Genomes Project 30x 0.00016.
gnomAD v4.1: 135 of 1,551,976 alleles (0.0087%); highest among the groups gnomAD compares: African/African-American, 0.03%; 1 homozygote.

Submissions (2):

CeGaT Center for Human Genetics Tuebingen
Classification: Likely benign. Last evaluated: 2025-11-01. Review status: criteria provided, single submitter. Criteria: CeGaT Center For Human Genetics Tuebingen Variant Classification Criteria Version 2. Collection method: clinical testing. Allele origin: germline. Affected: yes. Observed: 1 variant allele.
Comment: TENM4: BP4

Ambry Genetics
Classification: Uncertain significance. Last evaluated: 2024-08-05. Review status: criteria provided, single submitter. Criteria: Ambry Variant Classification Scheme 2023. Collection method: clinical testing. Allele origin: germline.